The following is an entry in ClinVar:

ClinVar aggregate classification (germline): Uncertain significance (1 of 4 stars; one submission).

Conditions:
Neuropathy, hereditary sensory and autonomic, type 2A (HSAN2A). Also called: ACROOSTEOLYSIS, GIACCAI TYPE; ACROOSTEOLYSIS, NEUROGENIC; MORVAN DISEASE; NEUROPATHY, CONGENITAL SENSORY; NEUROPATHY, HEREDITARY SENSORY RADICULAR, AUTOSOMAL RECESSIVE; NEUROPATHY, HEREDITARY SENSORY, TYPE IIA. Identifiers: Orphanet 970, MedGen C2752089, MONDO:0024309, OMIM 201300.
Pseudohypoaldosteronism type 2C (PHA2C). Also called: Pseudohypoaldosteronism Type IIC. Identifiers: Orphanet 757, Orphanet 88940, MedGen C1840391, MONDO:0013778, OMIM 614492.

Allele frequency attached by ClinVar (database versions not stated): gnomAD 0.00001; gnomAD exomes 0.00001; TOPMed 0.00001.
gnomAD v4.1: 10 of 1,535,800 alleles (0.00065%); highest among the groups gnomAD compares: Non-Finnish European, 0.00087%; no homozygotes.

Submission:

Labcorp Genetics (formerly Invitae), Labcorp
Classification: Uncertain significance for Neuropathy, hereditary sensory and autonomic, type 2A; Pseudohypoaldosteronism type 2C. Last evaluated: 2025-12-27. Review status: criteria provided, single submitter. Criteria: Invitae Variant Classification Sherloc (09022015). Collection method: clinical testing. Allele origin: germline.
Comment: This sequence change replaces serine, which is neutral and polar, with asparagine, which is neutral and polar, at codon 746 of the WNK1 protein (p.Ser746Asn). This variant is not present in population databases (gnomAD no frequency). This variant has not been reported in the literature in individuals affected with WNK1-related conditions. ClinVar contains an entry for this variant (Variation ID: 1465326). Invitae Evidence Modeling of protein sequence and biophysical properties (such as structural, functional, and spatial information, amino acid conservation, physicochemical variation, residue mobility, and thermodynamic stability) indicates that this missense variant is not expected to disrupt WNK1 protein function with a negative predictive value of 95%. In summary, the available evidence is currently insufficient to determine the role of this variant in disease. Therefore, it has been classified as a Variant of Uncertain Significance.

NM_213655.5(WNK1):c.2237G>A (p.Ser746Asn)

Gene: WNK1 (WNK lysine deficient protein kinase 1; plus strand). Cytogenetic location: 12p13.33.
Variant type: single nucleotide variant.
Coding change: c.2237G>A on transcript NM_213655.5 (MANE Plus Clinical); coding-DNA position 2237, G replaced by A.
Protein change: p.Ser746Asn; replaces serine 746 with asparagine.
Molecular consequence: missense variant. On other transcripts: intron variant (3).
Genome position (GRCh38, 1-based): chr12:865,207, G>A. VCF-style: chr12-865207-G-A. GRCh37 (hg19) VCF-style: chr12-974373-G-A.
Other names: c.2140-2659G>A (NM_001184985.2); c.2139+2937G>A (NM_018979.4, NM_014823.3); short protein forms S746N.
Identifiers: ClinVar variation 1465326 (VCV001465326.8), dbSNP rs1349210541, ClinGen allele CA383337610.